The following is an entry in ClinVar:

ClinVar aggregate classification (germline): Likely pathogenic (1 of 4 stars; one submission).

Conditions:
Primary ciliary dyskinesia 3. Identifiers: Orphanet 244, MedGen C1837618, MONDO:0012085, OMIM 608644.

Submission:

Myriad Genetics, Inc.
Classification: Likely pathogenic for Primary ciliary dyskinesia 3. Last evaluated: 2022-05-18. Review status: criteria provided, single submitter. Criteria: Myriad Women's Health Autosomal Recessive and X-Linked Classification Criteria (2021). Collection method: clinical testing. Allele origin: unknown.
Comment: NM_001369.2(DNAH5):c.2554_2555ins13(E852Vfs*2) is expected to be pathogenic in the context of DNAH5-related primary ciliary dyskinesia. This variant is predicted to lead to an abnormal or absent protein product due to the creation of a premature termination codon in DNAH5, a gene where loss-of-function variants are known to be pathogenic. Please note: this variant was assessed in the context of healthy population screening.

NM_001369.3(DNAH5):c.2554_2555insTATAAGAGACAGT (p.Glu852delinsValTer)

Genes: DNAH5 (dynein axonemal heavy chain 5; minus strand), DNAH5-AS1 (DNAH5 antisense RNA 1; plus strand). Cytogenetic location: 5p15.2.
Variant type: Insertion.
Coding change: c.2554_2555insTATAAGAGACAGT on transcript NM_001369.3 (MANE Select); coding-DNA positions 2554 to 2555, TATAAGAGACAGT inserted.
Protein change: p.Glu852delinsValTer.
Molecular consequence: nonsense.
Genome position: GRCh38 VCF-style: chr5-13890998-T-TACTGTCTCTTATA. GRCh37 (hg19) VCF-style: chr5-13891107-T-TACTGTCTCTTATA.
Identifiers: ClinVar variation 1726172 (VCV001726172.2), dbSNP rs2547057003, ClinGen allele CA2580072172.